The following is an entry in ClinVar:

ClinVar aggregate classification (germline): Uncertain significance (1 of 4 stars; one submission).

gnomAD v4.1: 3 of 1,613,508 alleles (0.00019%); highest among the groups gnomAD compares: Non-Finnish European, 0.00025%; no homozygotes.

Submission:

Labcorp Genetics (formerly Invitae), Labcorp
Classification: Uncertain significance. Last evaluated: 2021-12-13. Review status: criteria provided, single submitter. Criteria: Invitae Variant Classification Sherloc (09022015). Collection method: clinical testing. Allele origin: germline.
Comment: This sequence change replaces tryptophan, which is neutral and slightly polar, with cysteine, which is neutral and slightly polar, at codon 3 of the ARSG protein (p.Trp3Cys). This variant is not present in population databases (gnomAD no frequency). This variant has not been reported in the literature in individuals affected with ARSG-related conditions. Algorithms developed to predict the effect of missense changes on protein structure and function output the following: SIFT: "Tolerated"; PolyPhen-2: "Benign"; Align-GVGD: "Class C0". The cysteine amino acid residue is found in multiple mammalian species, which suggests that this missense change does not adversely affect protein function. In summary, the available evidence is currently insufficient to determine the role of this variant in disease. Therefore, it has been classified as a Variant of Uncertain Significance.

NM_001267727.2(ARSG):c.9G>C (p.Trp3Cys)

Gene: ARSG (arylsulfatase G; plus strand). Cytogenetic location: 17q24.2.
Variant type: single nucleotide variant.
Coding change: c.9G>C on transcript NM_001267727.2 (MANE Select); coding-DNA position 9, G replaced by C.
Protein change: p.Trp3Cys; replaces tryptophan 3 with cysteine.
Molecular consequence: missense variant.
Genome position (GRCh38, 1-based): chr17:68,307,502, G>C. VCF-style: chr17-68307502-G-C. GRCh37 (hg19) VCF-style: chr17-66303643-G-C.
Other names: c.9G>C, p.Trp3Cys (NM_001352899.2, NM_001352900.2, NM_001352901.2 and 9 more transcripts); short protein forms W3C.
Identifiers: ClinVar variation 1963613 (VCV001963613.2), dbSNP rs2510057047, ClinGen allele CA400745776.
Genomic context (GRCh38, chr17:68,307,502, plus strand): 5'-TCTAGTGGTGGCTGCCGTCGCTCCAGACAATCGGAATCCTGCCTTCACCACCATGGGCTG[G>C]CTTTTTCTAAAGGTTTTGTTGGCGGGAGTGAGTTTCTCAGGATTTCTTTATCCTCTTGTG-3'
Protein context (NP_001254656.1, residues 1-13): MG[Trp3Cys]LFLKVLLAGV